The following is an entry in ClinVar:

ClinVar aggregate classification (germline): Benign; risk factor. Review status: no assertion criteria provided (0 of 4 stars). 2 submissions from 2 submitters: Benign (1). Last evaluated 2019-10-18.

Conditions:
Myocardial infarction, susceptibility to. Identifiers: MedGen C1832662, MONDO:0012039, OMIM 608446.
PSMA6-related disorder. Also called: PSMA6-related condition.

Allele frequency attached by ClinVar (database versions not stated): ESP Exome Variant Server 0.13094; gnomAD 0.14409 and 0.15058; TOPMed 0.15372; 1000 Genomes Project 30x 0.18254; 1000 Genomes Project 0.19030.
gnomAD v4.1: 278,544 of 1,612,878 alleles (17%); highest among the groups gnomAD compares: East Asian, 35%; 26,090 homozygotes.

Submissions (2):

PreventionGenetics, part of Exact Sciences
Classification: Benign for PSMA6-related condition. Last evaluated: 2019-10-18. Review status: no assertion criteria provided. Collection method: clinical testing. Allele origin: germline.
Comment: This variant is classified as benign based on ACMG/AMP sequence variant interpretation guidelines (Richards et al. 2015 PMID: 25741868, with internal and published modifications).

OMIM
Classification: risk factor for MYOCARDIAL INFARCTION, SUSCEPTIBILITY TO. Last evaluated: 2009-04-01. Review status: no assertion criteria provided. Collection method: literature only. Allele origin: germline.

Literature cited by the submitters: PubMed 16845397 (cited by OMIM); PubMed 19282875 (cited by OMIM).

NM_002791.3(PSMA6):c.-8C>G

Genes: PSMA6 (proteasome 20S subunit alpha 6; plus strand), PRORP-PSMA6 (PRORP-PSMA6 readthrough; plus strand). Cytogenetic location: 14q13.2.
Variant type: single nucleotide variant.
Coding change: c.-8C>G on transcript NM_002791.3 (MANE Select); 8 bases upstream of the start codon, C replaced by G.
Molecular consequence: 5 prime UTR variant. On other transcripts: non-coding transcript variant (1), intron variant (1).
Genome position (GRCh38, 1-based): chr14:35,292,469, C>G. VCF-style: chr14-35292469-C-G. GRCh37 (hg19) VCF-style: chr14-35761675-C-G.
Other names: -8C-G, 5-PRIME UTR (rs1048990); c.-293C>G (NM_001282232.1); c.-150C>G (NM_001282233.1); c.19+13751C>G (NM_001282234.1).
Identifiers: ClinVar variation 6796 (VCV000006796.5), dbSNP rs1048990, ClinGen allele CA118519.